The following is an entry in ClinVar:

ClinVar aggregate classification (germline): Pathogenic (1 of 4 stars; one submission).

Conditions:
GLUT1 deficiency syndrome 1, autosomal recessive. Identifiers: MedGen C3149117.

Submission:

Labcorp Genetics (formerly Invitae), Labcorp
Classification: Pathogenic for GLUT1 deficiency syndrome 1, autosomal recessive. Last evaluated: 2024-10-23. Review status: criteria provided, single submitter. Criteria: Invitae Variant Classification Sherloc (09022015). Collection method: clinical testing. Allele origin: germline.
Comment: This sequence change creates a premature translational stop signal (p.Leu189Argfs*2) in the SLC2A1 gene. It is expected to result in an absent or disrupted protein product. Loss-of-function variants in SLC2A1 are known to be pathogenic (PMID: 21832227, 26193382). This variant is not present in population databases (gnomAD no frequency). This variant has not been reported in the literature in individuals affected with SLC2A1-related conditions. For these reasons, this variant has been classified as Pathogenic.

Literature cited by the submitters: PubMed 21832227; PubMed 26193382.

NM_006516.4(SLC2A1):c.566del (p.Leu189fs)

Gene: SLC2A1 (solute carrier family 2 member 1; minus strand). Cytogenetic location: 1p34.2.
Variant type: Deletion.
Coding change: c.566del on transcript NM_006516.4 (MANE Select); coding-DNA position 566, one base deleted (T; older notation c.566delT).
Protein change: p.Leu189fs; shifts the reading frame from leucine 189.
Molecular consequence: frameshift variant.
Genome position (GRCh38, 1-based): chr1:42,929,986, A deleted on the plus strand (T on the coding strand, the reverse complement: SLC2A1 is on the minus strand). VCF-style (leftmost placement, unchanged base first): chr1-42929985-CA-C. GRCh37 (hg19) VCF-style: chr1-43395656-CA-C.
Other names: short protein forms L189fs.
Identifiers: ClinVar variation 2842321 (VCV002842321.3), dbSNP rs2524994181, ClinGen allele CA2739272508.